The following is an entry in ClinVar:

NM_016233.2(PADI3):c.1110C>T (p.Ser370=)

Gene: PADI3 (peptidyl arginine deiminase 3; plus strand). Cytogenetic location: 1p36.13.
Variant type: single nucleotide variant.
Coding change: c.1110C>T on transcript NM_016233.2 (MANE Select); coding-DNA position 1110, C replaced by T.
Protein change: p.Ser370=; no amino-acid change (serine 370 retained).
Molecular consequence: synonymous variant.
Genome position (GRCh38, 1-based): chr1:17,273,402, C>T. VCF-style: chr1-17273402-C-T. GRCh37 (hg19) VCF-style: chr1-17599897-C-T.
Identifiers: ClinVar variation 3043944 (VCV003043944.2), dbSNP rs11584781, ClinGen allele CA639971.

ClinVar aggregate classification (germline): Benign (0 of 4 stars; one submission).

Conditions:
PADI3-related disorder. Also called: PADI3-related condition.

Allele frequency attached by ClinVar (database versions not stated): gnomAD exomes 0.00105; ExAC 0.00308; gnomAD 0.00978; 1000 Genomes Project 30x 0.01124; TOPMed 0.01137; ESP Exome Variant Server 0.01161; 1000 Genomes Project 0.01278.

Submission:

PreventionGenetics, part of Exact Sciences
Classification: Benign for PADI3-related condition. Last evaluated: 2019-06-10. Review status: no assertion criteria provided. Collection method: clinical testing. Allele origin: germline.
Comment: This variant is classified as benign based on ACMG/AMP sequence variant interpretation guidelines (Richards et al. 2015 PMID: 25741868, with internal and published modifications).